The following is an entry in ClinVar:

NM_001035.3(RYR2):c.7460T>C (p.Leu2487Pro)

Gene: RYR2 (ryanodine receptor 2; plus strand). Cytogenetic location: 1q43.
Variant type: single nucleotide variant.
Coding change: c.7460T>C on transcript NM_001035.3 (MANE Select); coding-DNA position 7460, T replaced by C.
Protein change: p.Leu2487Pro; replaces leucine 2487 with proline.
Molecular consequence: missense variant.
Genome position (GRCh38, 1-based): chr1:237,648,561, T>C. VCF-style: chr1-237648561-T-C. GRCh37 (hg19) VCF-style: chr1-237811861-T-C.
Other names: short protein forms L2487P.
Identifiers: ClinVar variation 4800088 (VCV004800088.1).

ClinVar aggregate classification (germline): Uncertain significance (1 of 4 stars; one submission).

Conditions:
Catecholaminergic polymorphic ventricular tachycardia 1. Also called: VENTRICULAR TACHYCARDIA, STRESS-INDUCED POLYMORPHIC 1; RYR2-Related Catecholaminergic Polymorphic Ventricular Tachycardia; VENTRICULAR TACHYCARDIA, CATECHOLAMINERGIC POLYMORPHIC, 1, WITH OR WITHOUT ATRIAL DYSFUNCTION AND/OR DILATED CARDIOMYOPATHY. Identifiers: Orphanet 3286, MedGen C1631597, MONDO:0011484, OMIM 604772.

Submission:

Labcorp Genetics (formerly Invitae), Labcorp
Classification: Uncertain significance for Catecholaminergic polymorphic ventricular tachycardia 1. Last evaluated: 2025-10-25. Review status: criteria provided, single submitter. Criteria: Invitae Variant Classification Sherloc (09022015). Collection method: clinical testing. Allele origin: germline.
Comment: This sequence change replaces leucine, which is neutral and non-polar, with proline, which is neutral and non-polar, at codon 2487 of the RYR2 protein (p.Leu2487Pro). This variant is not present in population databases (gnomAD no frequency). This variant has not been reported in the literature in individuals affected with RYR2-related conditions. Invitae Evidence Modeling of protein sequence and biophysical properties (such as structural, functional, and spatial information, amino acid conservation, physicochemical variation, residue mobility, and thermodynamic stability) indicates that this missense variant is expected to disrupt RYR2 protein function with a positive predictive value of 95%. In summary, the available evidence is currently insufficient to determine the role of this variant in disease. Therefore, it has been classified as a Variant of Uncertain Significance.